The following is an entry in ClinVar:

NM_004304.5(ALK):c.4451A>C (p.Asn1484Thr)

Gene: ALK (ALK receptor tyrosine kinase; minus strand). Cytogenetic location: 2p23.2.
Variant type: single nucleotide variant.
Coding change: c.4451A>C on transcript NM_004304.5 (MANE Select); coding-DNA position 4451, A replaced by C.
Protein change: p.Asn1484Thr; replaces asparagine 1484 with threonine.
Molecular consequence: missense variant.
Genome position (GRCh38, 1-based): chr2:29,193,636, T>G on the plus strand (A>C on the coding strand, the complement: ALK is on the minus strand). VCF-style: chr2-29193636-T-G. GRCh37 (hg19) VCF-style: chr2-29416502-T-G.
Other names: c.1247A>C, p.Asn416Thr (NM_001353765.2); c.4451A>C (NM_004304.4); short protein forms N1484T, N416T.
Identifiers: ClinVar variation 1423088 (VCV001423088.8), dbSNP rs752320442, ClinGen allele CA346462048.
Genomic context (GRCh38, chr2:29,193,636, plus strand): 5'-TTCCACAAGCTGGTGGGCTTGTTTCTGGATCCGTGGACCTTGTGCAACTCCGAAGGAGGG[T>G]TGGACTGAGAGAATGCCATATTCACGTGTCCCCCTTCCACGGCCGGCCCTCTAGGGACTC-3'
Protein context (NP_004295.2, residues 1474-1494): GHVNMAFSQS[Asn1484Thr]PPSELHKVHG

ClinVar aggregate classification (germline): Uncertain significance. Review status: criteria provided, multiple submitters, no conflicts (2 of 4 stars). 2 submissions from 2 submitters: Uncertain significance (2). Last evaluated 2025-06-12.

Conditions:
Hereditary cancer-predisposing syndrome. Also called: Hereditary neoplastic syndrome; Tumor predisposition; Hereditary Cancer Syndrome; Neoplastic Syndromes, Hereditary. Identifiers: Orphanet 140162, MedGen C0027672, MeSH D009386, MONDO:0015356.
Neuroblastoma, susceptibility to, 3. Also called: ALK-Related Neuroblastic Tumor Susceptibility. Identifiers: Orphanet 635, MedGen C2751681, MONDO:0013083, OMIM 613014.

Allele frequency attached by ClinVar (database versions not stated): gnomAD 0.00001.
gnomAD v4.1: 2 of 1,614,076 alleles (0.00012%); highest among the groups gnomAD compares: African/African-American, 0.0027%; no homozygotes.

Submissions (2):

Ambry Genetics
Classification: Uncertain significance for Hereditary cancer-predisposing syndrome. Last evaluated: 2025-06-12. Review status: criteria provided, single submitter. Criteria: Ambry Variant Classification Scheme 2023. Collection method: clinical testing. Allele origin: germline.
Comment: The p.N1484T variant (also known as c.4451A>C), located in coding exon 29 of the ALK gene, results from an A to C substitution at nucleotide position 4451. The asparagine at codon 1484 is replaced by threonine, an amino acid with similar properties. This amino acid position is conserved. In addition, this alteration is predicted to be tolerated by in silico analysis. Since supporting evidence is limited at this time, the clinical significance of this alteration remains unclear.

Labcorp Genetics (formerly Invitae), Labcorp
Classification: Uncertain significance for Neuroblastoma, susceptibility to, 3. Last evaluated: 2025-05-09. Review status: criteria provided, single submitter. Criteria: Invitae Variant Classification Sherloc (09022015). Collection method: clinical testing. Allele origin: germline.
Comment: This sequence change replaces asparagine, which is neutral and polar, with threonine, which is neutral and polar, at codon 1484 of the ALK protein (p.Asn1484Thr). This variant is present in population databases (no rsID available, gnomAD 0.01%). This variant has not been reported in the literature in individuals affected with ALK-related conditions. ClinVar contains an entry for this variant (Variation ID: 1423088). An algorithm developed to predict the effect of missense changes on protein structure and function (PolyPhen-2) suggests that this variant is likely to be tolerated. In summary, the available evidence is currently insufficient to determine the role of this variant in disease. Therefore, it has been classified as a Variant of Uncertain Significance.